The following is an entry in ClinVar:

NM_000465.4(BARD1):c.1811-17C>T

Gene: BARD1 (BRCA1 associated RING domain 1; minus strand). Cytogenetic location: 2q35.
Variant type: single nucleotide variant.
Coding change: c.1811-17C>T on transcript NM_000465.4 (MANE Select); 17 bases into the intron before coding-DNA position 1811, C replaced by T.
Molecular consequence: intron variant.
Genome position (GRCh38, 1-based): chr2:214,745,176, G>A on the plus strand (C>T on the coding strand, the complement: BARD1 is on the minus strand). VCF-style: chr2-214745176-G-A. GRCh37 (hg19) VCF-style: chr2-215609900-G-A.
Other names: c.401-17C>T (NM_001282548.2); c.1754-17C>T (NM_001282543.2); c.458-17C>T (NM_001282545.2); c.365-14668C>T (NM_001282549.2).
Identifiers: ClinVar variation 1644574 (VCV001644574.11), dbSNP rs1382267929, ClinGen allele CA2573135104.

ClinVar aggregate classification (germline): Likely benign. Review status: criteria provided, multiple submitters, no conflicts (2 of 4 stars). 3 submissions from 3 submitters: Likely benign (3). Last evaluated 2025-08-07.

Conditions:
Familial cancer of breast. Also called: Hereditary breast cancer; BREAST CANCER, FAMILIAL; hereditary breast carcinoma. Identifiers: Orphanet 227535, MedGen C0346153, MONDO:0016419, OMIM 114480. Disease mechanism: loss of function.

gnomAD v4.1: 2 of 1,602,014 alleles (0.00012%); highest among the groups gnomAD compares: Non-Finnish European, 0.00017%; no homozygotes.

Submissions (3):

Labcorp Genetics (formerly Invitae), Labcorp
Classification: Likely benign for Familial cancer of breast. Last evaluated: 2025-08-07. Review status: criteria provided, single submitter. Criteria: Invitae Variant Classification Sherloc (09022015). Collection method: clinical testing. Allele origin: germline.

Myriad Genetics, Inc.
Classification: Likely benign for Familial cancer of breast. Last evaluated: 2024-07-26. Review status: criteria provided, single submitter. Criteria: Myriad Autosomal Dominant, Autosomal Recessive and X-Linked Classification Criteria (2023). Collection method: clinical testing. Allele origin: unknown.
Comment: This variant is considered likely benign. This variant is intronic and is not expected to impact mRNA splicing.

Blueprint Genetics
Classification: Likely benign. Last evaluated: 2021-11-09. Review status: criteria provided, single submitter. Criteria: ACMG Guidelines, 2015. Collection method: clinical testing. Allele origin: germline.